The following is an entry in ClinVar:

NM_024577.4(SH3TC2):c.3099C>G (p.Ile1033Met)

Gene: SH3TC2 (SH3 domain and tetratricopeptide repeats 2; minus strand). Cytogenetic location: 5q32.
Variant type: single nucleotide variant.
Coding change: c.3099C>G on transcript NM_024577.4 (MANE Select); coding-DNA position 3099, C replaced by G.
Protein change: p.Ile1033Met; replaces isoleucine 1033 with methionine.
Molecular consequence: missense variant.
Genome position (GRCh38, 1-based): chr5:149,012,689, G>C on the plus strand (C>G on the coding strand, the complement: SH3TC2 is on the minus strand). VCF-style: chr5-149012689-G-C. GRCh37 (hg19) VCF-style: chr5-148392252-G-C.
Other names: short protein forms I1033M.
Identifiers: ClinVar variation 543328 (VCV000543328.8), dbSNP rs1554120576, ClinGen allele CA361663084.

ClinVar aggregate classification (germline): Uncertain significance (1 of 4 stars; one submission).

Conditions:
Charcot-Marie-Tooth disease type 4. Also called: Charcot-Marie-Tooth, Type 4; Charcot-Marie-Tooth disease, type IV. Identifiers: Orphanet 64749, MedGen C4082197, MONDO:0018995.

Submission:

Labcorp Genetics (formerly Invitae), Labcorp
Classification: Uncertain significance for Charcot-Marie-Tooth disease type 4. Last evaluated: 2017-09-04. Review status: criteria provided, single submitter. Criteria: Invitae Variant Classification Sherloc (09022015). Collection method: clinical testing. Allele origin: germline.
Comment: In summary, the available evidence is currently insufficient to determine the role of this variant in disease. Therefore, it has been classified as a Variant of Uncertain Significance. Algorithms developed to predict the effect of missense changes on protein structure and function do not agree on the potential impact of this missense change (SIFT: "Deleterious"; PolyPhen-2: "Possibly Damaging"; Align-GVGD: "Class C0"). This variant has not been reported in the literature in individuals with SH3TC2-related disease. This variant is not present in population databases (ExAC no frequency). This sequence change replaces isoleucine with methionine at codon 1033 of the SH3TC2 protein (p.Ile1033Met). The isoleucine residue is highly conserved and there is a small physicochemical difference between isoleucine and methionine.